The following is an entry in ClinVar:

NM_001267550.2(TTN):c.61655del (p.Lys20552fs)

Genes: TTN (titin; minus strand), TTN-AS1 (TTN antisense RNA 1; plus strand). Cytogenetic location: 2q31.2.
Variant type: Deletion.
Coding change: c.61655del on transcript NM_001267550.2 (MANE Select); coding-DNA position 61655, one base deleted (A; older notation c.61655delA).
Protein change: p.Lys20552fs; shifts the reading frame from lysine 20552.
Molecular consequence: frameshift variant.
Genome position (GRCh38, 1-based): chr2:178,590,070, T deleted on the plus strand (A on the coding strand, the reverse complement: TTN is on the minus strand); the first of 2 consecutive T bases (chr2:178,590,070-178,590,071); deleting either gives the same sequence. VCF-style (leftmost placement, unchanged base first): chr2-178590069-CT-C. GRCh37 (hg19) VCF-style: chr2-179454796-CT-C.
Other names: c.56732del, p.Lys18911fs (NM_001256850.1); c.34460del, p.Lys11487fs (NM_003319.4); c.53951del, p.Lys17984fs (NM_133378.4); c.34835del, p.Lys11612fs (NM_133432.3); c.35036del, p.Lys11679fs (NM_133437.4); short protein forms K11487fs, K18911fs, K20552fs, K17984fs, K11679fs, K11612fs.
Identifiers: ClinVar variation 2950931 (VCV002950931.3), dbSNP rs2469419829, ClinGen allele CA2662130617.

ClinVar aggregate classification (germline): Likely pathogenic (1 of 4 stars; one submission).

Conditions:
Dilated cardiomyopathy 1G (CMD1G). Identifiers: Orphanet 154, MedGen C1858763, MONDO:0011400, OMIM 604145.
Autosomal recessive limb-girdle muscular dystrophy type 2J (LGMDR10). Also called: Limb-girdle muscular dystrophy, type 2J; MUSCULAR DYSTROPHY, LIMB-GIRDLE, AUTOSOMAL RECESSIVE 10. Identifiers: Orphanet 140922, MedGen C1837342, MONDO:0012127, OMIM 608807.

Submission:

Labcorp Genetics (formerly Invitae), Labcorp
Classification: Likely pathogenic for Dilated cardiomyopathy 1G; Autosomal recessive limb-girdle muscular dystrophy type 2J. Last evaluated: 2025-11-26. Review status: criteria provided, single submitter. Criteria: Invitae Variant Classification Sherloc (09022015). Collection method: clinical testing. Allele origin: germline.
Comment: This sequence change creates a premature translational stop signal (p.Lys20552Argfs*25) in the TTN gene. While this is not anticipated to result in nonsense mediated decay, it is expected to create a truncated TTN protein. This variant is not present in population databases (gnomAD no frequency). This variant has not been reported in the literature in individuals affected with TTN-related conditions. ClinVar contains an entry for this variant (Variation ID: 2950931). This variant is located in the A band of TTN (PMID: 25589632). Truncating variants in this region are significantly overrepresented in patients affected with dilated cardiomyopathy (PMID: 25589632). Truncating variants in this region have also been reported in individuals affected with autosomal recessive centronuclear myopathy (PMID: 23975875). In summary, the currently available evidence indicates that the variant is pathogenic, but additional data are needed to prove that conclusively. Therefore, this variant has been classified as Likely Pathogenic.

Literature cited by the submitters: PubMed 25589632; PubMed 23975875.